The following is an entry in ClinVar:

NM_001429.4(EP300):c.2261G>T (p.Arg754Leu)

Gene: EP300 (EP300 lysine acetyltransferase; plus strand). Cytogenetic location: 22q13.2.
Variant type: single nucleotide variant.
Coding change: c.2261G>T on transcript NM_001429.4 (MANE Select); coding-DNA position 2261, G replaced by T.
Protein change: p.Arg754Leu; replaces arginine 754 with leucine.
Molecular consequence: missense variant.
Genome position (GRCh38, 1-based): chr22:41,149,057, G>T. VCF-style: chr22-41149057-G-T. GRCh37 (hg19) VCF-style: chr22-41545061-G-T.
Other names: c.2183G>T, p.Arg728Leu (NM_001362843.2); c.2261G>T (NM_001429.3); short protein forms R728L, R754L.
Identifiers: ClinVar variation 2811447 (VCV002811447.5), dbSNP rs544338126, ClinGen allele CA411690435.

ClinVar aggregate classification (germline): Uncertain significance. Review status: criteria provided, multiple submitters, no conflicts (2 of 4 stars). 3 submissions from 3 submitters: Uncertain significance (2). 1 of the submissions does not count toward it. Last evaluated 2025-12-15.

Conditions:
EP300-related disorder. Also called: EP300-related condition; EP300-related disorders.
Rubinstein-Taybi syndrome due to EP300 haploinsufficiency. Also called: EP300-Related Rubinstein-Taybi Syndrome; RUBINSTEIN-TAYBI SYNDROME 2. Identifiers: Orphanet 353284, Orphanet 783, MedGen C3150941, MONDO:0013364, OMIM 613684.
Inborn genetic diseases. Identifiers: MedGen C0950123, MeSH D030342.

gnomAD v4.1: 2 of 1,611,610 alleles (0.00012%); highest among the groups gnomAD compares: Admixed American, 0.0017%; no homozygotes.

Submissions (3):

Ambry Genetics
Classification: Uncertain significance for Inborn genetic diseases. Last evaluated: 2025-12-15. Review status: criteria provided, single submitter. Criteria: Ambry Variant Classification Scheme 2023. Collection method: clinical testing. Allele origin: germline.
Comment: The c.2261G>T (p.R754L) alteration is located in exon 13 (coding exon 13) of the EP300 gene. This alteration results from a G to T substitution at nucleotide position 2261, causing the arginine (R) at amino acid position 754 to be replaced by a leucine (L). Based on data from gnomAD, the T allele has an overall frequency of <0.001% (1/251184) total alleles studied. The highest observed frequency was 0.001% (1/113534) of European (non-Finnish) alleles. Based on insufficient or conflicting evidence, the clinical significance of this alteration remains unclear.

Labcorp Genetics (formerly Invitae), Labcorp
Classification: Uncertain significance for Rubinstein-Taybi syndrome due to EP300 haploinsufficiency. Last evaluated: 2023-03-08. Review status: criteria provided, single submitter. Criteria: Invitae Variant Classification Sherloc (09022015). Collection method: clinical testing. Allele origin: germline.
Comment: In summary, the available evidence is currently insufficient to determine the role of this variant in disease. Therefore, it has been classified as a Variant of Uncertain Significance. Advanced modeling of protein sequence and biophysical properties (such as structural, functional, and spatial information, amino acid conservation, physicochemical variation, residue mobility, and thermodynamic stability) performed at Invitae indicates that this missense variant is not expected to disrupt EP300 protein function. This variant has not been reported in the literature in individuals affected with EP300-related conditions. This variant is present in population databases (no rsID available, gnomAD 0.0009%). This sequence change replaces arginine, which is basic and polar, with leucine, which is neutral and non-polar, at codon 754 of the EP300 protein (p.Arg754Leu).

PreventionGenetics, part of Exact Sciences
Classification: Uncertain significance for EP300-related condition. Last evaluated: 2024-05-08. Review status: no assertion criteria provided. Collection method: clinical testing. Allele origin: germline. Not counted in ClinVar's aggregate classification.
Comment: The EP300 c.2261G>T variant is predicted to result in the amino acid substitution p.Arg754Leu. To our knowledge, this variant has not been reported in the literature. This variant is reported in 0.00088% of alleles in individuals of European (Non-Finnish) descent in gnomAD. At this time, the clinical significance of this variant is uncertain due to the absence of conclusive functional and genetic evidence.